The following is an entry in ClinVar:

ClinVar aggregate classification (germline): Uncertain significance (1 of 4 stars; one submission).

Conditions:
Inborn genetic diseases. Identifiers: MedGen C0950123, MeSH D030342.

Allele frequency attached by ClinVar (database versions not stated): gnomAD exomes below 0.00001; TOPMed 0.00001; ExAC 0.00002; ESP Exome Variant Server 0.00008.
gnomAD v4.1: 3 of 1,614,164 alleles (0.00019%); highest among the groups gnomAD compares: African/African-American, 0.0027%; no homozygotes.

Submission:

Ambry Genetics
Classification: Uncertain significance for Inborn genetic diseases. Last evaluated: 2023-09-23. Review status: criteria provided, single submitter. Criteria: Ambry Variant Classification Scheme 2023. Collection method: clinical testing. Allele origin: germline.
Comment: The p.P632L variant (also known as c.1895C>T), located in coding exon 15 of the BUB1B gene, results from a C to T substitution at nucleotide position 1895. The proline at codon 632 is replaced by leucine, an amino acid with similar properties. This amino acid position is conserved. In addition, this alteration is predicted to be tolerated by in silico analysis. Since supporting evidence is limited at this time, the clinical significance of this alteration remains unclear.

NM_001211.6(BUB1B):c.1895C>T (p.Pro632Leu)

Gene: BUB1B (BUB1 mitotic checkpoint serine/threonine kinase B; plus strand). Cytogenetic location: 15q15.1.
Variant type: single nucleotide variant.
Coding change: c.1895C>T on transcript NM_001211.6 (MANE Select); coding-DNA position 1895, C replaced by T.
Protein change: p.Pro632Leu; replaces proline 632 with leucine.
Molecular consequence: missense variant.
Genome position (GRCh38, 1-based): chr15:40,206,344, C>T. VCF-style: chr15-40206344-C-T. GRCh37 (hg19) VCF-style: chr15-40498545-C-T.
Other names: short protein forms P632L.
Identifiers: ClinVar variation 3221366 (VCV003221366.1), dbSNP rs376072541, ClinGen allele CA7475897.